The following is an entry in ClinVar:

ClinVar aggregate classification (germline): Conflicting classifications of pathogenicity. Review status: criteria provided, conflicting classifications (1 of 4 stars). 8 submissions from 8 submitters: Uncertain significance (3); Likely benign (5). Last evaluated 2026-01-08.

Conditions:
Hereditary cancer-predisposing syndrome. Also called: Hereditary neoplastic syndrome; Neoplastic Syndromes, Hereditary; Tumor predisposition; Hereditary Cancer Syndrome. Identifiers: Orphanet 140162, MedGen C0027672, MeSH D009386, MONDO:0015356.
Birt-Hogg-Dube syndrome 1 (BHD1). Also called: FIBROFOLLICULOMAS WITH TRICHODISCOMAS AND ACROCHORDONS. Identifiers: Orphanet 122, MedGen CN375946, MONDO:0800445, OMIM 135150.
Birt-Hogg-Dube syndrome. Also called: Birt Hogg Dubé syndrome. Identifiers: Orphanet 122, MedGen C0346010, MONDO:0800444.

Allele frequency attached by ClinVar (database versions not stated): ExAC 0.00003; gnomAD 0.00004; gnomAD exomes 0.00004 and 0.00007; TOPMed 0.00005; ESP Exome Variant Server 0.00015.
gnomAD v4.1: 122 of 1,614,082 alleles (0.0076%); highest among the groups gnomAD compares: Non-Finnish European, 0.0092%; no homozygotes.

Submissions (8):

Labcorp Genetics (formerly Invitae), Labcorp
Classification: Likely benign for Birt-Hogg-Dube syndrome. Last evaluated: 2026-01-08. Review status: criteria provided, single submitter. Criteria: Invitae Variant Classification Sherloc (09022015). Collection method: clinical testing. Allele origin: germline.

Myriad Genetics, Inc.
Classification: Likely benign for Birt-Hogg-Dube syndrome 1. Last evaluated: 2024-10-25. Review status: criteria provided, single submitter. Criteria: Myriad Autosomal Dominant, Autosomal Recessive and X-Linked Classification Criteria (2023). Collection method: clinical testing. Allele origin: unknown.
Comment: This variant is considered likely benign. This variant has been observed at a population frequency that is significantly greater than expected given the associated disease prevalence and penetrance.

Molecular Pathology, Peter Maccallum Cancer Centre
Classification: Uncertain significance for Birt-Hogg-Dube syndrome 1. Last evaluated: 2024-09-04. Review status: criteria provided, single submitter. Criteria: ACMG Guidelines, 2015. Collection method: clinical testing. Allele origin: germline. Inheritance: Autosomal dominant inheritance.

Quest Diagnostics Nichols Institute San Juan Capistrano
Classification: Likely benign. Last evaluated: 2023-08-08. Review status: criteria provided, single submitter. Criteria: Quest Diagnostics criteria. Collection method: clinical testing. Allele origin: unknown.

St. Jude Molecular Pathology, St. Jude Children's Research Hospital
Classification: Uncertain significance for Birt-Hogg-Dube syndrome 1. Last evaluated: 2023-05-31. Review status: criteria provided, single submitter. Criteria: St. Jude Assertion Criteria 2020. Collection method: clinical testing. Allele origin: germline.
Comment: The FLCN c.1418T>C (p.Val473Ala) missense change has a maximum subpopulation frequency of 0.0085% in gnomAD v2.1.1. The in silico tool REVEL predicts a benign effect on protein function, but to our knowledge this prediction has not been confirmed by functional studies. This variant has been reported in one individual with colorectal cancer (PMID: 28944238). To our knowledge, this variant has not been reported in individuals with Birt-Hogg-Dubé syndrome. In summary, the evidence currently available is insufficient to determine the clinical significance of this variant. It has therefore been classified as of uncertain significance.

GeneDx
Classification: Likely benign. Last evaluated: 2021-01-12. Review status: criteria provided, single submitter. Criteria: GeneDx Variant Classification Process June 2021. Collection method: clinical testing. Allele origin: germline. Affected: yes.
Comment: This variant is associated with the following publications: (PMID: 28944238)

Baylor Genetics
Classification: Uncertain significance for Birt-Hogg-Dube syndrome 1. Last evaluated: 2020-01-07. Review status: criteria provided, single submitter. Criteria: ACMG Guidelines, 2015. Collection method: clinical testing. Allele origin: maternal. Affected: yes. Study: CSER-TexasKidsCanSeq.
Comment: This variant was determined to be of uncertain significance according to ACMG Guidelines, 2015 [PMID:25741868].

Ambry Genetics
Classification: Likely benign for Hereditary cancer-predisposing syndrome. Last evaluated: 2019-01-31. Review status: criteria provided, single submitter. Criteria: Ambry Variant Classification Scheme 2023. Collection method: clinical testing. Allele origin: germline.

Literature cited by the submitters: PubMed 28944238 (cited by Quest Diagnostics Nichols Institute San Juan Capistrano).

NM_144997.7(FLCN):c.1418T>C (p.Val473Ala)

Gene: FLCN (folliculin; minus strand). Cytogenetic location: 17p11.2.
Variant type: single nucleotide variant.
Coding change: c.1418T>C on transcript NM_144997.7 (MANE Select); coding-DNA position 1418, T replaced by C.
Protein change: p.Val473Ala; replaces valine 473 with alanine.
Molecular consequence: missense variant.
Genome position (GRCh38, 1-based): chr17:17,215,199, A>G on the plus strand (T>C on the coding strand, the complement: FLCN is on the minus strand). VCF-style: chr17-17215199-A-G. GRCh37 (hg19) VCF-style: chr17-17118513-A-G.
Other names: c.1418T>C (LRG_325t1, NM_144997.6); c.1472T>C, p.Val491Ala (NM_001353229.2); c.1418T>C, p.Val473Ala (NM_001353230.2, NM_001353231.2); short protein forms V473A, V491A.
Identifiers: ClinVar variation 409388 (VCV000409388.20), dbSNP rs144883828, ClinGen allele CA8416008.